The following is an entry in ClinVar:

NM_021076.4(NEFH):c.595G>A (p.Ala199Thr)

Gene: NEFH (neurofilament heavy chain; plus strand). Cytogenetic location: 22q12.2.
Variant type: single nucleotide variant.
Coding change: c.595G>A on transcript NM_021076.4 (MANE Select); coding-DNA position 595, G replaced by A.
Protein change: p.Ala199Thr; replaces alanine 199 with threonine.
Molecular consequence: missense variant.
Genome position (GRCh38, 1-based): chr22:29,480,857, G>A. VCF-style: chr22-29480857-G-A. GRCh37 (hg19) VCF-style: chr22-29876846-G-A.
Other names: short protein forms A199T.
Identifiers: ClinVar variation 3009354 (VCV003009354.3), dbSNP rs986235145, ClinGen allele CA323083029.

ClinVar aggregate classification (germline): Uncertain significance (1 of 4 stars; one submission).

Allele frequency attached by ClinVar (database versions not stated): gnomAD exomes below 0.00001; gnomAD 0.00002; TOPMed 0.00003.
gnomAD v4.1: 4 of 1,396,388 alleles (0.00029%); highest among the groups gnomAD compares: African/African-American, 0.0061%; no homozygotes.

Submission:

Labcorp Genetics (formerly Invitae), Labcorp
Classification: Uncertain significance. Last evaluated: 2025-02-10. Review status: criteria provided, single submitter. Criteria: Invitae Variant Classification Sherloc (09022015). Collection method: clinical testing. Allele origin: germline.
Comment: This sequence change replaces alanine, which is neutral and non-polar, with threonine, which is neutral and polar, at codon 199 of the NEFH protein (p.Ala199Thr). This variant is present in population databases (no rsID available, gnomAD 0.02%). This variant has not been reported in the literature in individuals affected with NEFH-related conditions. ClinVar contains an entry for this variant (Variation ID: 3009354). Invitae Evidence Modeling of protein sequence and biophysical properties (such as structural, functional, and spatial information, amino acid conservation, physicochemical variation, residue mobility, and thermodynamic stability) indicates that this missense variant is not expected to disrupt NEFH protein function with a negative predictive value of 95%. In summary, the available evidence is currently insufficient to determine the role of this variant in disease. Therefore, it has been classified as a Variant of Uncertain Significance.